The following is an entry in ClinVar:

NM_016026.4(RDH11):c.544del (p.Leu182fs)

Genes: GPHN (gephyrin; plus strand), RDH11 (retinol dehydrogenase 11; minus strand). Cytogenetic location: 14q24.1.
Variant type: Deletion.
Coding change: c.544del on transcript NM_016026.4 (MANE Select); coding-DNA position 544, one base deleted (C; older notation c.544delC).
Protein change: p.Leu182fs; shifts the reading frame from leucine 182.
Molecular consequence: frameshift variant. On other transcripts: intron variant (1).
Genome position (GRCh38, 1-based): chr14:67,690,332, G deleted on the plus strand (C on the coding strand, the reverse complement: RDH11 is on the minus strand); the first of 2 consecutive G bases (chr14:67,690,332-67,690,333); deleting either gives the same sequence. VCF-style (leftmost placement, unchanged base first): chr14-67690331-AG-A. GRCh37 (hg19) VCF-style: chr14-68157048-AG-A.
Other names: c.454+808del (NM_001252650.2); short protein forms L182fs.
Identifiers: ClinVar variation 4713734 (VCV004713734.1).

ClinVar aggregate classification (germline): Pathogenic (1 of 4 stars; one submission).

Submission:

Labcorp Genetics (formerly Invitae), Labcorp
Classification: Pathogenic. Last evaluated: 2025-03-04. Review status: criteria provided, single submitter. Criteria: Invitae Variant Classification Sherloc (09022015). Collection method: clinical testing. Allele origin: germline.
Comment: This sequence change creates a premature translational stop signal (p.Leu182Trpfs*26) in the RDH11 gene. It is expected to result in an absent or disrupted protein product. Loss-of-function variants in RDH11 are known to be pathogenic (PMID: 24916380). This variant is not present in population databases (gnomAD no frequency). This variant has not been reported in the literature in individuals affected with RDH11-related conditions. For these reasons, this variant has been classified as Pathogenic.

Literature cited by the submitters: PubMed 24916380.